The following is an entry in ClinVar:

ClinVar aggregate classification (germline): Uncertain significance (1 of 4 stars; one submission).

Conditions:
Neuroblastoma, susceptibility to, 3. Also called: ALK-Related Neuroblastic Tumor Susceptibility. Identifiers: Orphanet 635, MedGen C2751681, MONDO:0013083, OMIM 613014.

Submission:

Labcorp Genetics (formerly Invitae), Labcorp
Classification: Uncertain significance for Neuroblastoma, susceptibility to, 3. Last evaluated: 2023-09-22. Review status: criteria provided, single submitter. Criteria: Invitae Variant Classification Sherloc (09022015). Collection method: clinical testing. Allele origin: unknown.
Comment: In summary, the available evidence is currently insufficient to determine the role of this variant in disease. Therefore, it has been classified as a Variant of Uncertain Significance. Experimental studies and prediction algorithms are not available or were not evaluated, and the functional significance of this variant is currently unknown. This variant has not been reported in the literature in individuals affected with ALK-related conditions. This variant results in a copy number gain of the genomic region encompassing exon(s) 27-29 of the ALK gene. This region includes the termination codon of the gene. This copy number gain extends beyond the assayed region for this gene and therefore may encompass additional genes. As the precise location of this event is unknown, it may be in tandem or it may be located elsewhere in the genome.

NC_000002.11:g.(?_29119585)_(29420552_?)dup

Genes: CLIP4 (CAP-Gly domain containing linker protein family member 4; plus strand), ALK (ALK receptor tyrosine kinase; minus strand), PCARE (photoreceptor cilium actin regulator; minus strand), TOGARAM2 (TOG array regulator of axonemal microtubules 2; plus strand), WDR43 (WD repeat domain 43; plus strand). Cytogenetic location: 2p23.2.
Variant type: Duplication.
Identifiers: ClinVar variation 3247359 (VCV003247359.1).